The following is an entry in ClinVar:

NM_001282531.3(ADNP):c.723C>T (p.Ile241=)

Gene: ADNP (activity dependent neuroprotector homeobox; minus strand). Cytogenetic location: 20q13.13.
Variant type: single nucleotide variant.
Coding change: c.723C>T on transcript NM_001282531.3 (MANE Select); coding-DNA position 723, C replaced by T.
Protein change: p.Ile241=; no amino-acid change (isoleucine 241 retained).
Molecular consequence: synonymous variant.
Genome position (GRCh38, 1-based): chr20:50,893,991, G>A on the plus strand (C>T on the coding strand, the complement: ADNP is on the minus strand). VCF-style: chr20-50893991-G-A. GRCh37 (hg19) VCF-style: chr20-49510528-G-A.
Other names: c.723C>T, p.Ile241= (NM_001282532.2, NM_001347511.2, NM_015339.5 and 1 more transcripts).
Identifiers: ClinVar variation 743463 (VCV000743463.23), dbSNP rs761224524, ClinGen allele CA9908840.

ClinVar aggregate classification (germline): Likely benign. Review status: criteria provided, multiple submitters, no conflicts (2 of 4 stars). 2 submissions from 2 submitters: Likely benign (2). Last evaluated 2025-11-23.

Allele frequency attached by ClinVar (database versions not stated): ExAC 0.00003; 1000 Genomes Project 30x 0.00016; gnomAD exomes 0.00004; TOPMed 0.00006; gnomAD 0.00010.
gnomAD v4.1: 73 of 1,614,112 alleles (0.0045%); highest among the groups gnomAD compares: Middle Eastern, 0.033%; no homozygotes.

Submissions (2):

Labcorp Genetics (formerly Invitae), Labcorp
Classification: Likely benign. Last evaluated: 2025-11-23. Review status: criteria provided, single submitter. Criteria: Invitae Variant Classification Sherloc (09022015). Collection method: clinical testing. Allele origin: germline.

CeGaT Center for Human Genetics Tuebingen
Classification: Likely benign. Last evaluated: 2024-09-01. Review status: criteria provided, single submitter. Criteria: CeGaT Center For Human Genetics Tuebingen Variant Classification Criteria Version 2. Collection method: clinical testing. Allele origin: germline. Affected: yes. Observed: 1 variant allele.
Comment: ADNP: BP4, BP7